The following is an entry in ClinVar:

NM_001080517.3(SETD5):c.889C>T (p.Leu297Phe)

Gene: SETD5 (SET domain containing 5; plus strand). Cytogenetic location: 3p25.3.
Variant type: single nucleotide variant.
Coding change: c.889C>T on transcript NM_001080517.3 (MANE Select); coding-DNA position 889, C replaced by T.
Protein change: p.Leu297Phe; replaces leucine 297 with phenylalanine.
Molecular consequence: missense variant.
Genome position (GRCh38, 1-based): chr3:9,441,671, C>T. VCF-style: chr3-9441671-C-T. GRCh37 (hg19) VCF-style: chr3-9483355-C-T.
Other names: c.595C>T, p.Leu199Phe (NM_001292043.2, NM_001349451.2); short protein forms L199F, L297F.
Identifiers: ClinVar variation 1309095 (VCV001309095.2), dbSNP rs2125187655, ClinGen allele CA351688837.

ClinVar aggregate classification (germline): Uncertain significance (1 of 4 stars; one submission).

Submission:

GeneDx
Classification: Uncertain significance. Last evaluated: 2019-10-17. Review status: criteria provided, single submitter. Criteria: GeneDx Variant Classification Process June 2021. Collection method: clinical testing. Allele origin: germline. Affected: yes.
Comment: Not observed in large population cohorts (Lek et al., 2016); In silico analysis, which includes protein predictors and evolutionary conservation, supports a deleterious effect; Has not been previously published as pathogenic or benign to our knowledge